The following is an entry in ClinVar:

NM_005045.4(RELN):c.5723T>C (p.Phe1908Ser)

Gene: RELN (reelin; minus strand). Cytogenetic location: 7q22.1.
Variant type: single nucleotide variant.
Coding change: c.5723T>C on transcript NM_005045.4 (MANE Select); coding-DNA position 5723, T replaced by C.
Protein change: p.Phe1908Ser; replaces phenylalanine 1908 with serine.
Molecular consequence: missense variant.
Genome position (GRCh38, 1-based): chr7:103,557,051, A>G on the plus strand (T>C on the coding strand, the complement: RELN is on the minus strand). VCF-style: chr7-103557051-A-G. GRCh37 (hg19) VCF-style: chr7-103197498-A-G.
Other names: c.5723T>C, p.Phe1908Ser (NM_173054.3); short protein forms F1908S.
Identifiers: ClinVar variation 3751219 (VCV003751219.2).
Genomic context (GRCh38, chr7:103,557,051, plus strand): 5'-TGCCAGAGTCTGAATCTTGTAGCATTGGTTTGGGCAGTGTATGGCAAGGGAACATTGATG[A>G]AAAGTATATTCGTTGTTTGAGGAAAGTAAAATTCATCCATCAGGTGCCAAGTGATTCCTC-3'
Protein context (NP_005036.2, residues 1898-1918): FYFPQTTNIL[Phe1908Ser]INVPLPYTAQ

ClinVar aggregate classification (germline): Uncertain significance (1 of 4 stars; one submission).

Conditions:
Familial temporal lobe epilepsy 7. Identifiers: Orphanet 101046, MedGen C4225327, MONDO:0014639, OMIM 616436.
Norman-Roberts syndrome (LIS2). Also called: Lissencephaly 2 (Norman-Roberts type). Identifiers: Orphanet 89844, MedGen C0796089, MONDO:0009760, OMIM 257320.

Submission:

Labcorp Genetics (formerly Invitae), Labcorp
Classification: Uncertain significance for Familial temporal lobe epilepsy 7; Norman-Roberts syndrome. Last evaluated: 2024-07-30. Review status: criteria provided, single submitter. Criteria: Invitae Variant Classification Sherloc (09022015). Collection method: clinical testing. Allele origin: germline.
Comment: This sequence change replaces phenylalanine, which is neutral and non-polar, with serine, which is neutral and polar, at codon 1908 of the RELN protein (p.Phe1908Ser). This variant is not present in population databases (gnomAD no frequency). This variant has not been reported in the literature in individuals affected with RELN-related conditions. Advanced modeling of protein sequence and biophysical properties (such as structural, functional, and spatial information, amino acid conservation, physicochemical variation, residue mobility, and thermodynamic stability) performed at Invitae indicates that this missense variant is not expected to disrupt RELN protein function with a negative predictive value of 80%. In summary, the available evidence is currently insufficient to determine the role of this variant in disease. Therefore, it has been classified as a Variant of Uncertain Significance.